The following is an entry in ClinVar:

ClinVar aggregate classification (germline): Conflicting classifications of pathogenicity. Review status: criteria provided, conflicting classifications (1 of 4 stars). 4 submissions from 4 submitters: Uncertain significance (3); Likely benign (1). Last evaluated 2025-01-15.

Conditions:
GM3 synthase deficiency (SPDRS). Also called: SALT AND PEPPER DEVELOPMENTAL REGRESSION SYNDROME; AMISH INFANTILE EPILEPSY SYNDROME; SALT AND PEPPER MENTAL RETARDATION SYNDROME. Identifiers: Orphanet 171714, Orphanet 370933, MedGen C1836824, MONDO:0018274, OMIM 609056.
Inborn genetic diseases. Identifiers: MedGen C0950123, MeSH D030342.

Allele frequency attached by ClinVar (database versions not stated): TOPMed 0.00002; ExAC 0.00007; gnomAD exomes 0.00008.
gnomAD v4.1: 22 of 1,614,246 alleles (0.0014%); highest among the groups gnomAD compares: Admixed American, 0.035%; no homozygotes.

Submissions (4):

Labcorp Genetics (formerly Invitae), Labcorp
Classification: Uncertain significance for GM3 synthase deficiency. Last evaluated: 2025-01-15. Review status: criteria provided, single submitter. Criteria: Invitae Variant Classification Sherloc (09022015). Collection method: clinical testing. Allele origin: germline.
Comment: This sequence change replaces serine, which is neutral and polar, with glycine, which is neutral and non-polar, at codon 377 of the ST3GAL5 protein (p.Ser377Gly). This variant is present in population databases (rs748173859, gnomAD 0.06%). This variant has not been reported in the literature in individuals affected with ST3GAL5-related conditions. ClinVar contains an entry for this variant (Variation ID: 408901). Invitae Evidence Modeling of protein sequence and biophysical properties (such as structural, functional, and spatial information, amino acid conservation, physicochemical variation, residue mobility, and thermodynamic stability) has been performed for this missense variant. However, the output from this modeling did not meet the statistical confidence thresholds required to predict the impact of this variant on ST3GAL5 protein function. In summary, the available evidence is currently insufficient to determine the role of this variant in disease. Therefore, it has been classified as a Variant of Uncertain Significance.

Ambry Genetics
Classification: Likely benign for Inborn genetic diseases. Last evaluated: 2024-03-14. Review status: criteria provided, single submitter. Criteria: Ambry Variant Classification Scheme 2023. Collection method: clinical testing. Allele origin: germline.

Mayo Clinic Laboratories, Mayo Clinic
Classification: Uncertain significance. Last evaluated: 2020-09-29. Review status: criteria provided, single submitter. Criteria: ACMG Guidelines, 2015. Collection method: clinical testing. Allele origin: germline. Observed: 1 variant allele.

Baylor Genetics
Classification: Uncertain significance for GM3 synthase deficiency. Last evaluated: 2019-11-15. Review status: criteria provided, single submitter. Criteria: ACMG Guidelines, 2015. Collection method: clinical testing. Allele origin: unknown. Affected: yes.
Comment: This variant was determined to be of uncertain significance according to ACMG Guidelines, 2015 [PMID:25741868].

NM_003896.4(ST3GAL5):c.1129A>G (p.Ser377Gly)

Gene: ST3GAL5 (ST3 beta-galactoside alpha-2,3-sialyltransferase 5; minus strand). Cytogenetic location: 2p11.2.
Variant type: single nucleotide variant.
Coding change: c.1129A>G on transcript NM_003896.4 (MANE Select); coding-DNA position 1129, A replaced by G.
Protein change: p.Ser377Gly; replaces serine 377 with glycine.
Molecular consequence: missense variant.
Genome position (GRCh38, 1-based): chr2:85,840,272, T>C on the plus strand (A>G on the coding strand, the complement: ST3GAL5 is on the minus strand). VCF-style: chr2-85840272-T-C. GRCh37 (hg19) VCF-style: chr2-86067395-T-C.
Other names: c.1060A>G, p.Ser354Gly (NM_001042437.2); c.745A>G, p.Ser249Gly (NM_001354223.2, NM_001354224.2, NM_001354226.2 and 3 more transcripts); c.1045A>G, p.Ser349Gly (NM_001354227.2, NM_001354229.2, NM_001354238.1); c.406A>G, p.Ser136Gly (NM_001354247.1); c.970A>G, p.Ser324Gly (NM_001363847.1); short protein forms S377G, S249G, S324G, S354G, S349G, S136G.
Identifiers: ClinVar variation 408901 (VCV000408901.14), dbSNP rs748173859, ClinGen allele CA1744881.